The following is an entry in ClinVar:

ClinVar aggregate classification (germline): Likely benign. Review status: criteria provided, single submitter (1 of 4 stars). 2 submissions from 2 submitters: Likely benign (1). 1 of the submissions does not count toward it. Last evaluated 2025-06-01.

Conditions:
ADNP-related disorder. Also called: ADNP-related condition.

Allele frequency attached by ClinVar (database versions not stated): ExAC 0.00001; gnomAD 0.00001; TOPMed 0.00002; gnomAD exomes 0.00003; ESP Exome Variant Server 0.00008.
gnomAD v4.1: 46 of 1,614,012 alleles (0.0029%); highest among the groups gnomAD compares: East Asian, 0.0045%; no homozygotes.

Submissions (2):

CeGaT Center for Human Genetics Tuebingen
Classification: Likely benign. Last evaluated: 2025-06-01. Review status: criteria provided, single submitter. Criteria: CeGaT Center For Human Genetics Tuebingen Variant Classification Criteria Version 2. Collection method: clinical testing. Allele origin: germline. Affected: yes. Observed: 1 variant allele.
Comment: ADNP: BP4, BP7

PreventionGenetics, part of Exact Sciences
Classification: Likely benign for ADNP-related condition. Last evaluated: 2019-06-05. Review status: no assertion criteria provided. Collection method: clinical testing. Allele origin: germline. Not counted in ClinVar's aggregate classification.
Comment: This variant is classified as likely benign based on ACMG/AMP sequence variant interpretation guidelines (Richards et al. 2015 PMID: 25741868, with internal and published modifications).

NM_001282531.3(ADNP):c.1395C>T (p.Phe465=)

Gene: ADNP (activity dependent neuroprotector homeobox; minus strand). Cytogenetic location: 20q13.13.
Variant type: single nucleotide variant.
Coding change: c.1395C>T on transcript NM_001282531.3 (MANE Select); coding-DNA position 1395, C replaced by T.
Protein change: p.Phe465=; no amino-acid change (phenylalanine 465 retained).
Molecular consequence: synonymous variant.
Genome position (GRCh38, 1-based): chr20:50,893,319, G>A on the plus strand (C>T on the coding strand, the complement: ADNP is on the minus strand). VCF-style: chr20-50893319-G-A. GRCh37 (hg19) VCF-style: chr20-49509856-G-A.
Other names: c.1395C>T, p.Phe465= (NM_001282532.2, NM_001347511.2, NM_015339.5 and 1 more transcripts).
Identifiers: ClinVar variation 3038967 (VCV003038967.10), dbSNP rs375629425, ClinGen allele CA9908723.